The following is an entry in ClinVar:

NM_021075.4(NDUFV3):c.474C>T (p.Ser158=)

Gene: NDUFV3 (NADH:ubiquinone oxidoreductase subunit V3; plus strand). Cytogenetic location: 21q22.3.
Variant type: single nucleotide variant.
Coding change: c.474C>T on transcript NM_021075.4 (MANE Select); coding-DNA position 474, C replaced by T.
Protein change: p.Ser158=; no amino-acid change (serine 158 retained).
Molecular consequence: synonymous variant. On other transcripts: intron variant (1).
Genome position (GRCh38, 1-based): chr21:42,903,486, C>T. VCF-style: chr21-42903486-C-T. GRCh37 (hg19) VCF-style: chr21-44323596-C-T.
Other names: c.170-5378C>T (NM_001001503.2).
Identifiers: ClinVar variation 3048046 (VCV003048046.2), dbSNP rs777380358, ClinGen allele CA10046498.
Genomic context (GRCh38, chr21:42,903,486, plus strand): 5'-TTCAGAAGCTCGTCAGGTGGGTCGGAAAGTGACGTCGCCTTCGTCTTCATCCTCTTCCAG[C>T]TCCTCTGATTCTGAATCTGATGATGAGGCTGACGTTTCAGAGGTCACTCCTCGAGTGGTG-3'
Protein context (NP_066553.3, residues 148-168): VTSPSSSSSS[Ser158=]SSDSESDDEA

ClinVar aggregate classification (germline): Likely benign (0 of 4 stars; one submission).

Conditions:
NDUFV3-related disorder. Also called: NDUFV3-related condition.

Allele frequency attached by ClinVar (database versions not stated): ExAC 0.00001; gnomAD exomes 0.00001.
gnomAD v4.1: 6 of 1,613,942 alleles (0.00037%); highest among the groups gnomAD compares: Admixed American, 0.0083%; no homozygotes.

Submission:

PreventionGenetics, part of Exact Sciences
Classification: Likely benign for NDUFV3-related condition. Last evaluated: 2019-11-27. Review status: no assertion criteria provided. Collection method: clinical testing. Allele origin: germline.
Comment: This variant is classified as likely benign based on ACMG/AMP sequence variant interpretation guidelines (Richards et al. 2015 PMID: 25741868, with internal and published modifications).